The following is an entry in ClinVar:

NM_031220.4(PITPNM3):c.2758C>G (p.Arg920Gly)

Gene: PITPNM3 (PITPNM family member 3; minus strand). Cytogenetic location: 17p13.2.
Variant type: single nucleotide variant.
Coding change: c.2758C>G on transcript NM_031220.4 (MANE Select); coding-DNA position 2758, C replaced by G.
Protein change: p.Arg920Gly; replaces arginine 920 with glycine.
Molecular consequence: missense variant.
Genome position (GRCh38, 1-based): chr17:6,455,505, G>C on the plus strand (C>G on the coding strand, the complement: PITPNM3 is on the minus strand). VCF-style: chr17-6455505-G-C. GRCh37 (hg19) VCF-style: chr17-6358825-G-C.
Other names: c.2650C>G, p.Arg884Gly (NM_001165966.2); short protein forms R920G, R884G.
Identifiers: ClinVar variation 451034 (VCV000451034.12), dbSNP rs765143355, ClinGen allele CA8329025.

ClinVar aggregate classification (germline): Uncertain significance. Review status: criteria provided, multiple submitters, no conflicts (2 of 4 stars). 3 submissions from 3 submitters: Uncertain significance (3). Last evaluated 2025-05-15.

Allele frequency attached by ClinVar (database versions not stated): gnomAD exomes 0.00006; ExAC 0.00013.
gnomAD v4.1: 20 of 1,605,824 alleles (0.0012%); highest among the groups gnomAD compares: Non-Finnish European, 0.001%; no homozygotes.

Submissions (3):

Ambry Genetics
Classification: Uncertain significance. Last evaluated: 2025-05-15. Review status: criteria provided, single submitter. Criteria: Ambry Variant Classification Scheme 2023. Collection method: clinical testing. Allele origin: germline.

Labcorp Genetics (formerly Invitae), Labcorp
Classification: Uncertain significance. Last evaluated: 2019-12-20. Review status: criteria provided, single submitter. Criteria: Invitae Variant Classification Sherloc (09022015). Collection method: clinical testing. Allele origin: germline.
Comment: In summary, the available evidence is currently insufficient to determine the role of this variant in disease. Therefore, it has been classified as a Variant of Uncertain Significance. Algorithms developed to predict the effect of missense changes on protein structure and function are either unavailable or do not agree on the potential impact of this missense change (SIFT: "Deleterious"; PolyPhen-2: "Possibly Damaging"; Align-GVGD: "Class C0"). This variant has not been reported in the literature in individuals with PITPNM3-related conditions. ClinVar contains an entry for this variant (Variation ID: 451034). This variant is present in population databases (rs765143355, ExAC 0.02%). This sequence change replaces arginine with glycine at codon 920 of the PITPNM3 protein (p.Arg920Gly). The arginine residue is highly conserved and there is a moderate physicochemical difference between arginine and glycine.

GeneDx
Classification: Uncertain significance. Last evaluated: 2017-08-03. Review status: criteria provided, single submitter. Criteria: GeneDx Variant Classification (06012015). Collection method: clinical testing. Allele origin: germline. Affected: yes.
Comment: The R920G variant in the PITPNM3 gene has not been reported previously as a pathogenic variant, nor as a benign variant, to our knowledge. This variant is observed in 15/62,936 (0.024%) alleles from individuals of non-Finnish European background in the ExAC dataset (Lek et al., 2016). The R920G variant is a non-conservative amino acid substitution, which is likely to impact secondary protein structure as these residues differ in polarity, charge, size and/or other properties. In addition, this substitution occurs at a position that is conserved across species, and in silico analysis predicts this variant is probably damaging to the protein structure/function. We interpret R920G as a variant of uncertain significance.